The following is an entry in ClinVar:

NM_000152.5(GAA):c.29del (p.His10fs)

Gene: GAA (alpha glucosidase; plus strand). Cytogenetic location: 17q25.3.
Variant type: Deletion.
Coding change: c.29del on transcript NM_000152.5 (MANE Select); coding-DNA position 29, one base deleted (A; older notation c.29delA).
Protein change: p.His10fs; shifts the reading frame from histidine 10.
Molecular consequence: frameshift variant.
Genome position (GRCh38, 1-based): chr17:80,104,615, A deleted. VCF-style (leftmost placement, unchanged base first): chr17-80104614-CA-C. GRCh37 (hg19) VCF-style: chr17-78078413-CA-C.
Other names: c.29del, p.His10fs (NM_001079803.3, NM_001079804.3); short protein forms H10fs.
Identifiers: ClinVar variation 4876540 (VCV004876540.1), dbSNP rs2143823928.

ClinVar aggregate classification (germline): Pathogenic (1 of 4 stars; one submission).

Conditions:
Glycogen storage disease, type II (IOPD). Also called: Pompe Disease; CARDIOMEGALIA GLYCOGENICA DIFFUSA; GLYCOGENOSIS, GENERALIZED, CARDIAC FORM; GSD II; POMPE DISEASE, INFANTILE-ONSET; GLYCOGEN STORAGE DISEASE II, INFANTILE-ONSET. Identifiers: Orphanet 365, MedGen C0017921, MONDO:0009290, OMIM 232300.

Submission:

Genomenon, Inc
Classification: Pathogenic for Glycogen storage disease, type II. Last evaluated: 2026-07-01. Review status: criteria provided, single submitter. Criteria: Genomenon Sequence Variant Interpretation Standards - Updated. Collection method: curation. Allele origin: germline.
Comment: GAA p.His10ProfsTer33 (c.29del) is a frameshift variant that is predicted to introduce a premature termination codon and result in a truncated or absent protein product. This variant has been reported in the compound heterozygous and/or homozygous state in at least one individual without a confirmed diagnosis of Pompe disease (PMID:33073019;37670900;35123877). It is absent or not present at a significant frequency in gnomAD. In conclusion, we classify GAA p.His10ProfsTer33 (c.29del) as a pathogenic variant.

Literature cited by the submitters: PubMed 33073019; PubMed 37670900; PubMed 35123877.